The following is an entry in ClinVar:

NM_001953.5(TYMP):c.1441C>T (p.Gln481Ter)

Genes: SCO2 (synthesis of cytochrome C oxidase 2; minus strand), TYMP (thymidine phosphorylase; minus strand). Cytogenetic location: 22q13.33.
Variant type: single nucleotide variant.
Coding change: c.1441C>T on transcript NM_001953.5 (MANE Select); coding-DNA position 1441, C replaced by T.
Protein change: p.Gln481Ter; replaces glutamine 481 with a stop codon.
Molecular consequence: nonsense. On other transcripts: intron variant (2).
Genome position (GRCh38, 1-based): chr22:50,525,778, G>A on the plus strand (C>T on the coding strand, the complement: TYMP is on the minus strand). VCF-style: chr22-50525778-G-A. GRCh37 (hg19) VCF-style: chr22-50964207-G-A.
Other names: p.Gln481*; c.1441C>T, p.Gln481Ter (NM_001113755.3, NM_001113756.3, NM_001257988.1); c.1456C>T, p.Gln486Ter (NM_001257989.1); c.-14+468C>T (NM_001169109.2); c.-14+223C>T (NM_001169110.1); c.1441C>T (NM_001953.4); short protein forms Q481*, Q486*.
Identifiers: ClinVar variation 553052 (VCV000553052.11), dbSNP rs200735968, ClinGen allele CA10321391.

ClinVar aggregate classification (germline): Uncertain significance. Review status: criteria provided, multiple submitters, no conflicts (2 of 4 stars). 6 submissions from 6 submitters: Uncertain significance (4). 2 of the submissions do not count toward it. Last evaluated 2025-05-05.

Conditions:
TYMP-related disorder. Also called: TYMP-related condition.
Mitochondrial DNA depletion syndrome 1. Also called: Mitochondrial DNA depletion syndrome 1 (MNGIE type); Mitochondrial neurogastrointestinal encephalomyopathy syndrome; Mitochondrial Neurogastrointestinal Encephalopathy Disease; MITOCHONDRIAL NEUROGASTROINTESTINAL ENCEPHALOPATHY SYNDROME, TYMP-RELATED; MNGIE, TYMP-RELATED; Mitochondrial DNA Depletion Syndrome, MNGIE Form. Identifiers: Orphanet 298, MedGen C4551995, MONDO:0011283, OMIM 603041.

Allele frequency attached by ClinVar (database versions not stated): gnomAD 0.00011 and 0.00009; gnomAD exomes 0.00026 and 0.00006; ExAC 0.00006; ESP Exome Variant Server 0.00008; TOPMed 0.00008.
gnomAD v4.1: 383 of 1,610,684 alleles (0.024%); highest among the groups gnomAD compares: Non-Finnish European, 0.031%; no homozygotes.

Submissions (6):

Mayo Clinic Laboratories, Mayo Clinic
Classification: Uncertain significance. Last evaluated: 2025-05-05. Review status: criteria provided, single submitter. Criteria: ACMG Guidelines, 2015. Collection method: clinical testing. Allele origin: germline. Observed: 2 variant alleles.
Comment: PM2_supporting, PVS1_moderate

Women's Health and Genetics/Laboratory Corporation of America, LabCorp
Classification: Uncertain significance. Last evaluated: 2024-11-26. Review status: criteria provided, single submitter. Criteria: LabCorp Variant Classification Summary - May 2015. Collection method: clinical testing. Allele origin: germline.
Comment: Variant summary: TYMP c.1441C>T (p.Gln481X) results in a premature termination codon, predicted to cause a truncation of the encoded protein, however, nonsense mediated decay is not expected to occur. The variant allele was found at a frequency of 5.6e-05 in 232468 control chromosomes. This frequency is not significantly higher than estimated for a pathogenic variant in TYMP causing Mitochondrial DNA Depletion Syndrome 1 (MNGIE type) (5.6e-05 vs 0.0011), allowing no conclusion about variant significance. To our knowledge, no occurrence of c.1441C>T in individuals affected with Mitochondrial DNA Depletion Syndrome 1 (MNGIE type) and no experimental evidence demonstrating its impact on protein function have been reported. ClinVar contains an entry for this variant (Variation ID: 553052). Based on the evidence outlined above, the variant was classified as uncertain significance.

Labcorp Genetics (formerly Invitae), Labcorp
Classification: Uncertain significance. Last evaluated: 2022-05-29. Review status: criteria provided, single submitter. Criteria: Invitae Variant Classification Sherloc (09022015). Collection method: clinical testing. Allele origin: germline.
Comment: This sequence change creates a premature translational stop signal (p.Gln481*) in the TYMP gene. While this is not anticipated to result in nonsense mediated decay, it is expected to disrupt the last 2 amino acid(s) of the TYMP protein. This variant is present in population databases (rs200735968, gnomAD 0.01%). This variant has not been reported in the literature in individuals affected with TYMP-related conditions. ClinVar contains an entry for this variant (Variation ID: 553052). In summary, the available evidence is currently insufficient to determine the role of this variant in disease. Therefore, it has been classified as a Variant of Uncertain Significance.

Blueprint Genetics
Classification: Uncertain significance. Last evaluated: 2021-09-15. Review status: criteria provided, single submitter. Criteria: ACMG Guidelines, 2015. Collection method: clinical testing. Allele origin: germline.

PreventionGenetics, part of Exact Sciences
Classification: Uncertain significance for TYMP-related condition. Last evaluated: 2023-12-10. Review status: no assertion criteria provided. Collection method: clinical testing. Allele origin: germline. Not counted in ClinVar's aggregate classification.
Comment: The TYMP c.1441C>T variant is predicted to result in premature protein termination (p.Gln481*). To our knowledge, this variant has not been reported in the literature. This variant is reported in 0.012% of alleles in individuals of European (Non-Finnish) descent in gnomAD. At this time, the clinical significance of this variant is uncertain due to the absence of conclusive functional and genetic evidence.

Counsyl
Classification: Uncertain significance for Mitochondrial DNA depletion syndrome 1. Last evaluated: 2017-08-01. Review status: no assertion criteria provided. Collection method: clinical testing. Allele origin: unknown. Not counted in ClinVar's aggregate classification.